The following is an entry in ClinVar:

NM_030662.4(MAP2K2):c.169T>C (p.Phe57Leu)

Gene: MAP2K2 (mitogen-activated protein kinase kinase 2; minus strand). Cytogenetic location: 19p13.3.
Variant type: single nucleotide variant.
Coding change: c.169T>C on transcript NM_030662.4 (MANE Select); coding-DNA position 169, T replaced by C.
Protein change: p.Phe57Leu; replaces phenylalanine 57 with leucine.
Molecular consequence: missense variant.
Genome position (GRCh38, 1-based): chr19:4,117,553, A>G on the plus strand (T>C on the coding strand, the complement: MAP2K2 is on the minus strand). VCF-style: chr19-4117553-A-G. GRCh37 (hg19) VCF-style: chr19-4117551-A-G.
Other names: p.F57L:TTT>CTT; short protein forms F57L.
Identifiers: ClinVar variation 180911 (VCV000180911.7), dbSNP rs121434498, ClinGen allele CA296166.

ClinVar aggregate classification (germline): Pathogenic/Likely pathogenic. Review status: criteria provided, multiple submitters, no conflicts (2 of 4 stars). 3 submissions from 3 submitters: Pathogenic (2); Likely pathogenic (1). Last evaluated 2025-10-06.

Conditions:
Cardiofaciocutaneous syndrome 4 (CFC4). Also called: MAP2K2-Related Cardiofaciocutaneous Syndrome. Identifiers: Orphanet 1340, MedGen C3809007, MONDO:0014114, OMIM 615280.
RASopathy. Also called: Noonan spectrum disorder; rasopathies. Identifiers: Orphanet 536391, MedGen C5555857, MONDO:0021060.

Submissions (3):

GeneDx
Classification: Pathogenic. Last evaluated: 2025-10-06. Review status: criteria provided, single submitter. Criteria: GeneDx Variant Classification Process June 2021. Collection method: clinical testing. Allele origin: germline. Affected: yes.
Comment: Identified in unrelated patients with features consistent with MAP2K2-related RASopathy referred for genetic testing at GeneDx and in published literature (PMID: 31115076); Not observed at significant frequency in large population cohorts (gnomAD); Missense variants in this gene are a common cause of disease and they are underrepresented in the general population; In silico analysis supports that this missense variant has a deleterious effect on protein structure/function; This variant is associated with the following publications: (PMID: 19156172, 22177953, 22753777, 25370473, 26399658, 29493581, 16439621, 18413255, 31115076)

Genetics and Molecular Pathology, SA Pathology
Classification: Likely pathogenic for RASopathy. Last evaluated: 2023-01-04. Review status: criteria provided, single submitter. Criteria: ACMG Guidelines, 2015. Collection method: clinical testing. Allele origin: germline. Affected: yes.
Comment: The MAP2K2 c.169T>C variant is classified as Likely Pathogenic (PS4_supporting, PM2, PM5, PP3) The MAP2K2 c.169T>C variant is a single nucleotide change in exon 2/11 of the MAP2K2 gene, which is predicted to change the amino acid phenylalanine at position 57 in the protein to leucine. The variant has been reported once in the literature with a clinical presentation of RASopathy (Sinajon, 2019 PMID:31115076) (PS4_Supporting). This variant is absent from population databases (PM2). This variant is a missense change at an amino acid residue where p.Phe57Cys, p.Phe57Ile, p.Phe57Leu (c.171T>A), p.Phe57Tyr, and p.Phe57Val have been seen before (PM5). Computational predictions support a deleterious effect on the gene or gene product (PP3). The variant has been reported in dbSNP (rs121434498) and in the HGMD database: CM1912601. It has been reported as Pathogenic by other diagnostic laboratories (ClinVar Variation ID: 180911).

Juno Genomics, Hangzhou Juno Genomics, Inc
Classification: Pathogenic for Cardiofaciocutaneous syndrome 4. Review status: criteria provided, single submitter. Criteria: ACMG Guidelines, 2015. Collection method: clinical testing. Allele origin: germline. Affected: yes.
Comment: Absent from controls (or at extremely low frequency if recessive) in Genome Aggregation Database, Exome Sequencing Project, 1000 Genomes Project, or Exome Aggregation Consortium.;The prevalence of the variant in affected individuals is significantly increased compared to the prevalence in controls.;De novo (both maternity and paternity confirmed) in a patient with the disease and no family history.;Multiple lines of computational evidence support a deleterious effect on the gene or gene product (conservation, evolutionary, splicing impact, etc).;Novel missense change at an amino acid residue where a different missense change determined to be pathogenic has been seen before.

Literature cited by the submitters: PubMed 31115076 (cited by Genetics and Molecular Pathology, SA Pathology).